The following is an entry in ClinVar:

NM_001401501.2(MUC16):c.39429C>T (p.Ala13143=)

Gene: MUC16 (mucin 16, cell surface associated; minus strand). Cytogenetic location: 19p13.2.
Variant type: single nucleotide variant.
Coding change: c.39429C>T on transcript NM_001401501.2 (MANE Select); coding-DNA position 39429, C replaced by T.
Protein change: p.Ala13143=; no amino-acid change (alanine 13143 retained).
Molecular consequence: synonymous variant.
Genome position (GRCh38, 1-based): chr19:8,897,633, G>A on the plus strand (C>T on the coding strand, the complement: MUC16 is on the minus strand). VCF-style: chr19-8897633-G-A. GRCh37 (hg19) VCF-style: chr19-9008309-G-A.
Other names: c.39855C>T, p.Ala13285= (NM_001414686.1); c.39309C>T, p.Ala13103= (NM_001414687.1); c.39243C>T, p.Ala13081= (NM_024690.2).
Identifiers: ClinVar variation 3043666 (VCV003043666.2), dbSNP rs1206748344, ClinGen allele CA505285891.

ClinVar aggregate classification (germline): Benign (0 of 4 stars; one submission).

Conditions:
MUC16-related disorder. Also called: MUC16-related condition.

Allele frequency attached by ClinVar (database versions not stated): 1000 Genomes Project 30x 0.19238.

Submission:

PreventionGenetics, part of Exact Sciences
Classification: Benign for MUC16-related condition. Last evaluated: 2019-06-06. Review status: no assertion criteria provided. Collection method: clinical testing. Allele origin: germline.
Comment: This variant is classified as benign based on ACMG/AMP sequence variant interpretation guidelines (Richards et al. 2015 PMID: 25741868, with internal and published modifications).